The following is an entry in ClinVar:

NM_000441.2(SLC26A4):c.398C>T (p.Ser133Leu)

Gene: SLC26A4 (solute carrier family 26 member 4; plus strand). Cytogenetic location: 7q22.3.
Variant type: single nucleotide variant.
Coding change: c.398C>T on transcript NM_000441.2 (MANE Select); coding-DNA position 398, C replaced by T.
Protein change: p.Ser133Leu; replaces serine 133 with leucine.
Molecular consequence: missense variant.
Genome position (GRCh38, 1-based): chr7:107,672,231, C>T. VCF-style: chr7-107672231-C-T. GRCh37 (hg19) VCF-style: chr7-107312676-C-T.
Other names: short protein forms S133L.
Identifiers: ClinVar variation 1490445 (VCV001490445.8), dbSNP rs2129311271, ClinGen allele CA368847255.

ClinVar aggregate classification (germline): Likely pathogenic (1 of 4 stars; one submission).

Submission:

Labcorp Genetics (formerly Invitae), Labcorp
Classification: Likely pathogenic. Last evaluated: 2022-11-03. Review status: criteria provided, single submitter. Criteria: Invitae Variant Classification Sherloc (09022015). Collection method: clinical testing. Allele origin: germline.
Comment: Algorithms developed to predict the effect of sequence changes on RNA splicing suggest that this variant may disrupt the consensus splice site. This sequence change replaces serine, which is neutral and polar, with leucine, which is neutral and non-polar, at codon 133 of the SLC26A4 protein (p.Ser133Leu). This variant is not present in population databases (gnomAD no frequency). This missense change has been observed in individual(s) with SLC26A4-related conditions (PMID: 25372295). ClinVar contains an entry for this variant (Variation ID: 1490445). Advanced modeling of protein sequence and biophysical properties (such as structural, functional, and spatial information, amino acid conservation, physicochemical variation, residue mobility, and thermodynamic stability) performed at Invitae indicates that this missense variant is expected to disrupt SLC26A4 protein function. This variant disrupts the p.Ser133 amino acid residue in SLC26A4. Other variant(s) that disrupt this residue have been observed in individuals with SLC26A4-related conditions (PMID: 25372295; Invitae), which suggests that this may be a clinically significant amino acid residue. In summary, the currently available evidence indicates that the variant is pathogenic, but additional data are needed to prove that conclusively. Therefore, this variant has been classified as Likely Pathogenic.

Literature cited by the submitters: PubMed 25372295.